The following is an entry in ClinVar:

NM_014476.6(PDLIM3):c.805del (p.Ala269fs)

Gene: PDLIM3 (PDZ and LIM domain 3; minus strand). Cytogenetic location: 4q35.1.
Variant type: Deletion.
Coding change: c.805del on transcript NM_014476.6 (MANE Select); coding-DNA position 805, one base deleted (G; older notation c.805delG).
Protein change: p.Ala269fs; shifts the reading frame from alanine 269.
Molecular consequence: frameshift variant. On other transcripts: non-coding transcript variant (1).
Genome position (GRCh38, 1-based): chr4:185,504,575, C deleted on the plus strand (G on the coding strand, the reverse complement: PDLIM3 is on the minus strand); the first of 2 consecutive C bases (chr4:185,504,575-185,504,576); deleting either gives the same sequence. VCF-style (leftmost placement, unchanged base first): chr4-185504574-GC-G. GRCh37 (hg19) VCF-style: chr4-186425728-GC-G.
Other names: c.661del, p.Ala221fs (NM_001114107.5); c.541del, p.Ala181fs (NM_001257962.2); c.304del, p.Ala102fs (NM_001257963.2); short protein forms A181fs, A102fs, A269fs, A221fs.
Identifiers: ClinVar variation 2203597 (VCV002203597.4), dbSNP rs772607770, ClinGen allele CA3159681.

ClinVar aggregate classification (germline): Uncertain significance (1 of 4 stars; one submission).

Conditions:
Hypertrophic cardiomyopathy. Also called: HYPERTROPHIC MYOCARDIOPATHY. Identifiers: Orphanet 217569, MedGen C0007194, MeSH D002312, MONDO:0005045, HP:0001639.
Primary dilated cardiomyopathy (DCM). Also called: Dilated Cardiomyopathy. Identifiers: Orphanet 217604, MedGen C0007193, MeSH D002311, MONDO:0005021, HP:0001644. Inheritance: Various modes of inheritance.

Submission:

Labcorp Genetics (formerly Invitae), Labcorp
Classification: Uncertain significance for Hypertrophic cardiomyopathy; Primary dilated cardiomyopathy. Last evaluated: 2024-08-20. Review status: criteria provided, single submitter. Criteria: Invitae Variant Classification Sherloc (09022015). Collection method: clinical testing. Allele origin: germline.
Comment: This sequence change creates a premature translational stop signal (p.Ala269Leufs*6) in the PDLIM3 gene. It is expected to result in an absent or disrupted protein product. However, the current clinical and genetic evidence is not sufficient to establish whether loss-of-function variants in PDLIM3 cause disease. This variant is present in population databases (rs772607770, gnomAD 0.0009%). This premature translational stop signal has been observed in individual(s) with dilated cardiomyopathy (PMID: 25163546). ClinVar contains an entry for this variant (Variation ID: 2203597). In summary, the available evidence is currently insufficient to determine the role of this variant in disease. Therefore, it has been classified as a Variant of Uncertain Significance.

Literature cited by the submitters: PubMed 25163546.